The following is an entry in ClinVar:

NM_033274.5(ADAM19):c.187C>T (p.Leu63Phe)

Gene: ADAM19 (ADAM metallopeptidase domain 19; minus strand). Cytogenetic location: 5q33.3.
Variant type: single nucleotide variant.
Coding change: c.187C>T on transcript NM_033274.5 (MANE Select); coding-DNA position 187, C replaced by T.
Protein change: p.Leu63Phe; replaces leucine 63 with phenylalanine.
Molecular consequence: missense variant.
Genome position (GRCh38, 1-based): chr5:157,564,437, G>A on the plus strand (C>T on the coding strand, the complement: ADAM19 is on the minus strand). VCF-style: chr5-157564437-G-A. GRCh37 (hg19) VCF-style: chr5-156991445-G-A.
Other names: short protein forms L63F.
Identifiers: ClinVar variation 2656000 (VCV002656000.24), dbSNP rs61753548, ClinGen allele CA3535669.

ClinVar aggregate classification (germline): Likely benign (1 of 4 stars; one submission).

Allele frequency attached by ClinVar (database versions not stated): 1000 Genomes Project 30x 0.00141; 1000 Genomes Project 0.00180; TOPMed 0.00300; gnomAD 0.00380; ESP Exome Variant Server 0.00400; ExAC 0.00474; gnomAD exomes 0.00502.
gnomAD v4.1: 7,857 of 1,614,160 alleles (0.49%); highest among the groups gnomAD compares: Non-Finnish European, 0.53%; 36 homozygotes.

Submission:

CeGaT Center for Human Genetics Tuebingen
Classification: Likely benign. Last evaluated: 2023-03-01. Review status: criteria provided, single submitter. Criteria: CeGaT Center For Human Genetics Tuebingen Variant Classification Criteria Version 2. Collection method: clinical testing. Allele origin: germline. Affected: yes. Observed: 1 variant allele.
Comment: ADAM19: BP4, BS2